The following is an entry in ClinVar:

NM_000051.4(ATM):c.2508A>T (p.Glu836Asp)

Gene: ATM (ATM serine/threonine kinase; plus strand). Cytogenetic location: 11q22.3.
Variant type: single nucleotide variant.
Coding change: c.2508A>T on transcript NM_000051.4 (MANE Select); coding-DNA position 2508, A replaced by T.
Protein change: p.Glu836Asp; replaces glutamic acid 836 with aspartic acid.
Molecular consequence: missense variant.
Genome position (GRCh38, 1-based): chr11:108,267,212, A>T. VCF-style: chr11-108267212-A-T. GRCh37 (hg19) VCF-style: chr11-108137939-A-T.
Other names: c.2508A>T (NM_000051.3); c.2508A>T, p.Glu836Asp (NM_001351834.2); short protein forms E836D.
Identifiers: ClinVar variation 1378675 (VCV001378675.8), dbSNP rs2135506209, ClinGen allele CA382543374.

ClinVar aggregate classification (germline): Uncertain significance. Review status: criteria provided, multiple submitters, no conflicts (2 of 4 stars). 2 submissions from 2 submitters: Uncertain significance (2). Last evaluated 2024-09-03.

Conditions:
Hereditary cancer-predisposing syndrome. Also called: Tumor predisposition; Hereditary neoplastic syndrome; Neoplastic Syndromes, Hereditary; Hereditary Cancer Syndrome. Identifiers: Orphanet 140162, MedGen C0027672, MeSH D009386, MONDO:0015356.
Ataxia-telangiectasia syndrome (AT). Also called: Cerebello-oculocutaneous telangiectasia; Immunodeficiency with ataxia telangiectasia; LOUIS-BAR SYNDROME; ATAXIA-TELANGIECTASIA, COMPLEMENTATION GROUP A; ATAXIA-TELANGIECTASIA, FRESNO VARIANT; Ataxia-telangiectasia, complementation group D. Identifiers: Orphanet 100, MedGen C0004135, MONDO:0008840, OMIM 208900.

Submissions (2):

Ambry Genetics
Classification: Uncertain significance for Hereditary cancer-predisposing syndrome. Last evaluated: 2024-09-03. Review status: criteria provided, single submitter. Criteria: Ambry Variant Classification Scheme 2023. Collection method: clinical testing. Allele origin: germline.
Comment: The p.E836D variant (also known as c.2508A>T), located in coding exon 16 of the ATM gene, results from an A to T substitution at nucleotide position 2508. The glutamic acid at codon 836 is replaced by aspartic acid, an amino acid with highly similar properties. This amino acid position is conserved. In addition, this alteration is predicted to be tolerated by in silico analysis. Based on the available evidence, the clinical significance of this variant remains unclear.

Labcorp Genetics (formerly Invitae), Labcorp
Classification: Uncertain significance for Ataxia-telangiectasia syndrome. Last evaluated: 2021-03-27. Review status: criteria provided, single submitter. Criteria: Invitae Variant Classification Sherloc (09022015). Collection method: clinical testing. Allele origin: germline.
Comment: In summary, this is a novel missense change that is not predicted to affect protein function or cause disease. However, the evidence is insufficient at this time to prove that conclusively. It has been classified as a Variant of Uncertain Significance. Algorithms developed to predict the effect of missense changes on protein structure and function (SIFT, PolyPhen-2, Align-GVGD) all suggest that this variant is likely to be tolerated, but these predictions have not been confirmed by published functional studies. This variant is not present in population databases (ExAC no frequency) and has not been reported in the literature. This sequence change replaces glutamic acid with aspartic acid at codon 836 of the ATM protein (p.Glu836Asp). The glutamic acid residue is weakly conserved and there is a small physicochemical difference between glutamic acid and aspartic acid.